The following is an entry in ClinVar:

ClinVar aggregate classification (germline): Uncertain significance (1 of 4 stars; one submission).

Allele frequency attached by ClinVar (database versions not stated): gnomAD 0.00001; gnomAD exomes 0.00001; TOPMed 0.00003.
gnomAD v4.1: 15 of 1,434,292 alleles (0.001%); highest among the groups gnomAD compares: Admixed American, 0.0022%; no homozygotes.

Submission:

Labcorp Genetics (formerly Invitae), Labcorp
Classification: Uncertain significance. Last evaluated: 2022-12-25. Review status: criteria provided, single submitter. Criteria: Invitae Variant Classification Sherloc (09022015). Collection method: clinical testing. Allele origin: germline.
Comment: In summary, the available evidence is currently insufficient to determine the role of this variant in disease. Therefore, it has been classified as a Variant of Uncertain Significance. Variants that disrupt the consensus splice site are a relatively common cause of aberrant splicing (PMID: 17576681, 9536098). Algorithms developed to predict the effect of sequence changes on RNA splicing suggest that this variant is not likely to affect RNA splicing. This variant has not been reported in the literature in individuals affected with IFT57-related conditions. This variant is present in population databases (rs375007957, gnomAD 0.005%). This sequence change falls in intron 3 of the IFT57 gene. It does not directly change the encoded amino acid sequence of the IFT57 protein. It affects a nucleotide within the consensus splice site.

Literature cited by the submitters: PubMed 17576681; PubMed 9536098.

NM_018010.4(IFT57):c.494+6A>C

Gene: IFT57 (intraflagellar transport 57; minus strand). Cytogenetic location: 3q13.13.
Variant type: single nucleotide variant.
Coding change: c.494+6A>C on transcript NM_018010.4 (MANE Select); 6 bases into the intron after coding-DNA position 494, A replaced by C.
Molecular consequence: intron variant.
Genome position (GRCh38, 1-based): chr3:108,218,529, T>G on the plus strand (A>C on the coding strand, the complement: IFT57 is on the minus strand). VCF-style: chr3-108218529-T-G. GRCh37 (hg19) VCF-style: chr3-107937376-T-G.
Identifiers: ClinVar variation 2900059 (VCV002900059.3), dbSNP rs375007957, ClinGen allele CA80636278.